The following is an entry in ClinVar:

ClinVar aggregate classification (germline): Uncertain significance (1 of 4 stars; one submission).

Allele frequency attached by ClinVar (database versions not stated): gnomAD exomes 0.00001; ExAC 0.00002; gnomAD 0.00002; TOPMed 0.00003; ESP Exome Variant Server 0.00008.
gnomAD v4.1: 17 of 1,614,020 alleles (0.0011%); highest among the groups gnomAD compares: Non-Finnish European, 0.0014%; no homozygotes.

Submission:

Labcorp Genetics (formerly Invitae), Labcorp
Classification: Uncertain significance. Last evaluated: 2025-09-28. Review status: criteria provided, single submitter. Criteria: Invitae Variant Classification Sherloc (09022015). Collection method: clinical testing. Allele origin: germline.
Comment: This sequence change replaces aspartic acid, which is acidic and polar, with glutamic acid, which is acidic and polar, at codon 77 of the C8B protein (p.Asp77Glu). This variant is present in population databases (rs375991328, gnomAD 0.004%). This variant has not been reported in the literature in individuals affected with C8B-related conditions. ClinVar contains an entry for this variant (Variation ID: 2171669). An algorithm developed to predict the effect of missense changes on protein structure and function (PolyPhen-2) suggests that this variant is likely to be disruptive. In summary, the available evidence is currently insufficient to determine the role of this variant in disease. Therefore, it has been classified as a Variant of Uncertain Significance.

NM_000066.4(C8B):c.231C>A (p.Asp77Glu)

Gene: C8B (complement C8 beta chain; minus strand). Cytogenetic location: 1p32.2.
Variant type: single nucleotide variant.
Coding change: c.231C>A on transcript NM_000066.4 (MANE Select); coding-DNA position 231, C replaced by A.
Protein change: p.Asp77Glu; replaces aspartic acid 77 with glutamic acid.
Molecular consequence: missense variant. On other transcripts: 5 prime UTR variant (1).
Genome position (GRCh38, 1-based): chr1:56,960,038, G>T on the plus strand (C>A on the coding strand, the complement: C8B is on the minus strand). VCF-style: chr1-56960038-G-T. GRCh37 (hg19) VCF-style: chr1-57425711-G-T.
Other names: c.75C>A, p.Asp25Glu (NM_001278543.2); c.-85C>A (NM_001278544.2); short protein forms D25E, D77E.
Identifiers: ClinVar variation 2171669 (VCV002171669.3), dbSNP rs375991328, ClinGen allele CA876071.